The following is an entry in ClinVar:

NM_023036.6(DNAI2):c.341G>T (p.Gly114Val)

Gene: DNAI2 (dynein axonemal intermediate chain 2; plus strand). Cytogenetic location: 17q25.1.
Variant type: single nucleotide variant.
Coding change: c.341G>T on transcript NM_023036.6 (MANE Select); coding-DNA position 341, G replaced by T.
Protein change: p.Gly114Val; replaces glycine 114 with valine.
Molecular consequence: missense variant. On other transcripts: non-coding transcript variant (1).
Genome position (GRCh38, 1-based): chr17:74,285,197, G>T. VCF-style: chr17-74285197-G-T. GRCh37 (hg19) VCF-style: chr17-72281336-G-T.
Other names: c.341G>T, p.Gly114Val (NM_001172810.3, NM_001353167.2); short protein forms G114V.
Identifiers: ClinVar variation 968881 (VCV000968881.7), dbSNP rs1271406619, ClinGen allele CA400903919.

ClinVar aggregate classification (germline): Uncertain significance. Review status: criteria provided, single submitter (1 of 4 stars). 2 submissions from 2 submitters: Uncertain significance (1). 1 of the submissions does not count toward it. Last evaluated 2021-09-02.

Conditions:
Primary ciliary dyskinesia. Also called: Ciliary dyskinesia. Identifiers: Orphanet 244, MedGen C0008780, MONDO:0016575, HP:0012265.

Allele frequency attached by ClinVar (database versions not stated): gnomAD exomes below 0.00001; TOPMed below 0.00001.

Submissions (2):

Labcorp Genetics (formerly Invitae), Labcorp
Classification: Uncertain significance for Primary ciliary dyskinesia. Last evaluated: 2021-09-02. Review status: criteria provided, single submitter. Criteria: Invitae Variant Classification Sherloc (09022015). Collection method: clinical testing. Allele origin: germline.
Comment: This sequence change replaces glycine with valine at codon 114 of the DNAI2 protein (p.Gly114Val). The glycine residue is highly conserved and there is a moderate physicochemical difference between glycine and valine. This variant is not present in population databases (ExAC no frequency). This variant has not been reported in the literature in individuals affected with DNAI2-related conditions. Algorithms developed to predict the effect of missense changes on protein structure and function are either unavailable or do not agree on the potential impact of this missense change (SIFT: "Deleterious"; PolyPhen-2: "Benign"; Align-GVGD: "Class C0"). In summary, the available evidence is currently insufficient to determine the role of this variant in disease. Therefore, it has been classified as a Variant of Uncertain Significance.

Natera, Inc.
Classification: Uncertain significance for Primary ciliary dyskinesia. Last evaluated: 2020-12-01. Review status: no assertion criteria provided. Collection method: clinical testing. Allele origin: germline. Not counted in ClinVar's aggregate classification.